The following is an entry in ClinVar:

ClinVar aggregate classification (germline): Likely pathogenic (1 of 4 stars; one submission).

Conditions:
Retinitis pigmentosa 20 (RP20). Identifiers: Orphanet 791, MedGen C3151086, MONDO:0013425, OMIM 613794.
Leber congenital amaurosis 2 (LCA2). Also called: AMAUROSIS CONGENITA OF LEBER II; Autosomal Recessive RPE65-Related Retinal Degeneration. Identifiers: Orphanet 65, MedGen C1859844, MONDO:0008765, OMIM 204100. Disease mechanism: loss of function.

Submission:

Labcorp Genetics (formerly Invitae), Labcorp
Classification: Likely pathogenic for Leber congenital amaurosis 2; Retinitis pigmentosa 20. Last evaluated: 2021-08-19. Review status: criteria provided, single submitter. Criteria: Invitae Variant Classification Sherloc (09022015). Collection method: clinical testing. Allele origin: germline.
Comment: This sequence change affects a splice site in intron 4 of the RPE65 gene. It is expected to disrupt RNA splicing. Variants that disrupt the donor or acceptor splice site typically lead to a loss of protein function (PMID: 16199547), and loss-of-function variants in RPE65 are known to be pathogenic (PMID: 9326941, 9501220, 9843205, 18632300). In summary, the currently available evidence indicates that the variant is pathogenic, but additional data are needed to prove that conclusively. Therefore, this variant has been classified as Likely Pathogenic. Algorithms developed to predict the effect of sequence changes on RNA splicing suggest that this variant may disrupt the consensus splice site. This variant has not been reported in the literature in individuals affected with RPE65-related conditions. This variant is not present in population databases (ExAC no frequency).

Literature cited by the submitters: PubMed 16199547; PubMed 9326941; PubMed 9501220; PubMed 9843205; PubMed 18632300.

NM_000329.3(RPE65):c.354-2del

Gene: RPE65 (retinoid isomerohydrolase RPE65; minus strand). Cytogenetic location: 1p31.3.
Variant type: Deletion.
Coding change: c.354-2del on transcript NM_000329.3 (MANE Select); the canonical splice acceptor site of the intron before coding-DNA position 354, one base deleted (A; older notation c.354-2delA).
Molecular consequence: splice acceptor variant.
Genome position (GRCh38, 1-based): chr1:68,444,674, T deleted on the plus strand (A on the coding strand, the reverse complement: RPE65 is on the minus strand). VCF-style (leftmost placement, unchanged base first): chr1-68444673-CT-C. GRCh37 (hg19) VCF-style: chr1-68910356-CT-C.
Other names: c.78-2del (NM_001406857.1, NM_001406856.1); c.246-2del (NM_001406853.1); c.354-2del (NM_001406859.1, NM_001406860.1).
Identifiers: ClinVar variation 1523359 (VCV001523359.6), dbSNP rs2100827990, ClinGen allele CA2573131984.
Genomic context (GRCh38, chr1:68,444,673, plus strand): 5'-GGGTAGACATTAACAAGGGCATTGTCAGTAACCTCTACTCCTCGAAAGTAAGAAAAAAAC[CT>C]GTAGAAACAAATGAATTTTTCAGTCCAGTAATTTTCAAGCCATGAGAGAAAAAGGGCTAA-3'